The following is an entry in ClinVar:

NM_001197104.2(KMT2A):c.2431G>T (p.Glu811Ter)

Gene: KMT2A (lysine methyltransferase 2A; plus strand). Cytogenetic location: 11q23.3.
Variant type: single nucleotide variant.
Coding change: c.2431G>T on transcript NM_001197104.2 (MANE Select); coding-DNA position 2431, G replaced by T.
Protein change: p.Glu811Ter; replaces glutamic acid 811 with a stop codon.
Molecular consequence: nonsense.
Genome position (GRCh38, 1-based): chr11:118,473,590, G>T. VCF-style: chr11-118473590-G-T. GRCh37 (hg19) VCF-style: chr11-118344305-G-T.
Other names: c.2530G>T, p.Glu844Ter (NM_001412597.1); c.2431G>T, p.Glu811Ter (NM_005933.4); short protein forms E811*, E844*.
Identifiers: ClinVar variation 3377207 (VCV003377207.1).

ClinVar aggregate classification (germline): Pathogenic (1 of 4 stars; one submission).

Conditions:
Wiedemann-Steiner syndrome (WDSTS). Also called: Growth deficiency and mental retardation with facial dysmorphism. Identifiers: Orphanet 319182, MedGen C1854630, MONDO:0011518, OMIM 605130.

Submission:

Victorian Clinical Genetics Services, Murdoch Childrens Research Institute
Classification: Pathogenic for Wiedemann-Steiner syndrome. Last evaluated: 2024-10-09. Review status: criteria provided, single submitter. Criteria: ACMG Guidelines, 2015. Collection method: clinical testing. Allele origin: germline. Inheritance: Autosomal dominant inheritance. Affected: yes.
Comment: Based on the classification scheme VCGS_Germline_v1.3.4, this variant is classified as Pathogenic. Following criteria are met: 0102 - Loss of function is a known mechanism of disease in this gene and is associated with Wiedemann-Steiner Syndrome (MIM#605130). (I) 0107 - This gene is associated with autosomal dominant disease. (I) 0201 - Variant is predicted to cause nonsense-mediated decay (NMD) and loss of protein (premature termination codon is located at least 54 nucleotides upstream of the final exon-exon junction). (SP) 0251 - This variant is heterozygous. (I) 0301 - Variant is absent from gnomAD (both v2 and v3). (SP) 0701 - Other NMD variants comparable to the one identified in this case have very strong previous evidence for pathogenicity (DECIPHER). (SP) 0807 - This variant has no previous evidence of pathogenicity. (I) 0905 - No published segregation evidence has been identified for this variant. (I) 1007 - No published functional evidence has been identified for this variant. (I) 1208 - Inheritance information for this variant is not currently available in this individual. (I) Legend: (SP) - Supporting pathogenic, (I) - Information, (SB) - Supporting benign